The following is an entry in ClinVar:

NM_021098.3(CACNA1H):c.3723G>C (p.Glu1241Asp)

Gene: CACNA1H (calcium voltage-gated channel subunit alpha1 H; plus strand). Cytogenetic location: 16p13.3.
Variant type: single nucleotide variant.
Coding change: c.3723G>C on transcript NM_021098.3 (MANE Select); coding-DNA position 3723, G replaced by C.
Protein change: p.Glu1241Asp; replaces glutamic acid 1241 with aspartic acid.
Molecular consequence: missense variant.
Genome position (GRCh38, 1-based): chr16:1,209,391, G>C. VCF-style: chr16-1209391-G-C. GRCh37 (hg19) VCF-style: chr16-1259391-G-C.
Other names: c.3723G>C, p.Glu1241Asp (NM_001005407.2); short protein forms E1241D.
Identifiers: ClinVar variation 1451074 (VCV001451074.9), dbSNP rs547739256, ClinGen allele CA7800869.

ClinVar aggregate classification (germline): Uncertain significance. Review status: criteria provided, multiple submitters, no conflicts (2 of 4 stars). 2 submissions from 2 submitters: Uncertain significance (2). Last evaluated 2023-12-11.

Conditions:
Hyperaldosteronism, familial, type IV (HALD4). Also called: FH IV; ALDOSTERONISM, PRIMARY, AND HYPERTENSION. Identifiers: Orphanet 642671, MedGen C4310756, MONDO:0014875, OMIM 617027.
Idiopathic generalized epilepsy. Also called: Generalised epilepsy; EIG. Identifiers: MedGen C0270850, MONDO:0005579, OMIM 600669.

gnomAD v4.1: 6 of 1,597,770 alleles (0.00038%); highest among the groups gnomAD compares: Non-Finnish European, 0.00051%; no homozygotes.

Submissions (2):

Labcorp Genetics (formerly Invitae), Labcorp
Classification: Uncertain significance for Idiopathic generalized epilepsy; Hyperaldosteronism, familial, type IV. Last evaluated: 2023-12-11. Review status: criteria provided, single submitter. Criteria: Invitae Variant Classification Sherloc (09022015). Collection method: clinical testing. Allele origin: germline.
Comment: This sequence change replaces glutamic acid, which is acidic and polar, with aspartic acid, which is acidic and polar, at codon 1241 of the CACNA1H protein (p.Glu1241Asp). This variant is present in population databases (rs547739256, gnomAD 0.0009%). This variant has not been reported in the literature in individuals affected with CACNA1H-related conditions. ClinVar contains an entry for this variant (Variation ID: 1451074). Advanced modeling of protein sequence and biophysical properties (such as structural, functional, and spatial information, amino acid conservation, physicochemical variation, residue mobility, and thermodynamic stability) performed at Invitae indicates that this missense variant is not expected to disrupt CACNA1H protein function with a negative predictive value of 80%. In summary, the available evidence is currently insufficient to determine the role of this variant in disease. Therefore, it has been classified as a Variant of Uncertain Significance.

Blueprint Genetics
Classification: Uncertain significance. Last evaluated: 2017-06-29. Review status: criteria provided, single submitter. Criteria: ACMG Guidelines, 2015. Collection method: clinical testing. Allele origin: germline.